The following is an entry in ClinVar:

NM_002124.4(HLA-DRB1):c.763+1G>C

Gene: HLA-DRB1 (major histocompatibility complex, class II, DR beta 1; minus strand). Cytogenetic location: 6p21.32.
Variant type: single nucleotide variant.
Coding change: c.763+1G>C on transcript NM_002124.4 (MANE Select); the canonical splice donor site of the intron after coding-DNA position 763, G replaced by C.
Molecular consequence: splice donor variant.
Genome position (GRCh38, 1-based): chr6:32,580,745, C>G on the plus strand (G>C on the coding strand, the complement: HLA-DRB1 is on the minus strand). VCF-style: chr6-32580745-C-G. GRCh37 (hg19) VCF-style: chr6-32548522-C-G.
Other names: NC_000006.11:g.32548522C>G.
Identifiers: ClinVar variation 3024757 (VCV003024757.23), dbSNP rs35121789, ClinGen allele CA3742830.
Genomic context (GRCh38, chr6:32,580,745, plus strand): 5'-AAGCCATAGTTCCTCCTCCAGAAAAGCCTATGGAGAGAGCCAGCTCCCAAAGGCTCCTCA[C>G]CTTTCTGATTCCTGAAGTAGATGAACAGCCCGGCCCCAAGGAAGAGCAGGCCCAGCACAA-3'

ClinVar aggregate classification (germline): Likely benign (1 of 4 stars; one submission).

Allele frequency attached by ClinVar (database versions not stated): 1000 Genomes Project 30x 0.01562.

Submissions (23):

CeGaT Center for Human Genetics Tuebingen
Classification: Likely benign. Last evaluated: 2024-02-01. Review status: criteria provided, single submitter. Criteria: CeGaT Center For Human Genetics Tuebingen Variant Classification Criteria Version 2. Collection method: clinical testing. Allele origin: germline. Affected: yes. Observed: 1 variant allele.
Comment: HLA-DRB1: BS1

Dr. Peter K. Rogan Lab, Western University
No classification provided (evidence only). Condition: Clear cell carcinoma of kidney. Review status: no classification provided. Collection method: in vitro. Allele origin: not applicable. Functional consequence: retained intron. Not counted in ClinVar's aggregate classification.

Dr. Peter K. Rogan Lab, Western University
No classification provided (evidence only). Condition: Clear cell carcinoma of kidney. Review status: no classification provided. Collection method: in vitro. Allele origin: not applicable. Functional consequence: retained intron. Not counted in ClinVar's aggregate classification.

Dr. Peter K. Rogan Lab, Western University
No classification provided (evidence only). Condition: Clear cell carcinoma of kidney. Review status: no classification provided. Collection method: in vitro. Allele origin: not applicable. Functional consequence: skipped exon. Not counted in ClinVar's aggregate classification.

Dr. Peter K. Rogan Lab, Western University
No classification provided (evidence only). Condition: Clear cell carcinoma of kidney. Review status: no classification provided. Collection method: in vitro. Allele origin: not applicable. Functional consequence: retained intron. Not counted in ClinVar's aggregate classification.

Dr. Peter K. Rogan Lab, Western University
No classification provided (evidence only). Condition: Familial cancer of breast. Review status: no classification provided. Collection method: in vitro. Allele origin: not applicable. Functional consequence: retained intron. Not counted in ClinVar's aggregate classification.

Dr. Peter K. Rogan Lab, Western University
No classification provided (evidence only). Condition: Colon adenocarcinoma. Review status: no classification provided. Collection method: in vitro. Allele origin: not applicable. Functional consequence: retained intron. Not counted in ClinVar's aggregate classification.

Dr. Peter K. Rogan Lab, Western University
No classification provided (evidence only). Condition: Colorectal cancer. Review status: no classification provided. Collection method: in vitro. Allele origin: not applicable. Functional consequence: retained intron. Not counted in ClinVar's aggregate classification.

Dr. Peter K. Rogan Lab, Western University
No classification provided (evidence only). Condition: Cervical cancer. Review status: no classification provided. Collection method: in vitro. Allele origin: not applicable. Functional consequence: retained intron. Not counted in ClinVar's aggregate classification.

Dr. Peter K. Rogan Lab, Western University
No classification provided (evidence only). Condition: Malignant lymphoma, large B-cell, diffuse. Review status: no classification provided. Collection method: in vitro. Allele origin: not applicable. Functional consequence: retained intron. Not counted in ClinVar's aggregate classification.

Dr. Peter K. Rogan Lab, Western University
No classification provided (evidence only). Condition: Hepatocellular carcinoma. Review status: no classification provided. Collection method: in vitro. Allele origin: not applicable. Functional consequence: retained intron. Not counted in ClinVar's aggregate classification.

Dr. Peter K. Rogan Lab, Western University
No classification provided (evidence only). Condition: Hepatocellular carcinoma. Review status: no classification provided. Collection method: in vitro. Allele origin: not applicable. Functional consequence: retained intron. Not counted in ClinVar's aggregate classification.

Dr. Peter K. Rogan Lab, Western University
No classification provided (evidence only). Condition: Hepatocellular carcinoma. Review status: no classification provided. Collection method: in vitro. Allele origin: not applicable. Functional consequence: retained intron. Not counted in ClinVar's aggregate classification.

Dr. Peter K. Rogan Lab, Western University
No classification provided (evidence only). Condition: Nonpapillary renal cell carcinoma. Review status: no classification provided. Collection method: in vitro. Allele origin: not applicable. Functional consequence: retained intron. Not counted in ClinVar's aggregate classification.

Dr. Peter K. Rogan Lab, Western University
No classification provided (evidence only). Condition: Nonpapillary renal cell carcinoma. Review status: no classification provided. Collection method: in vitro. Allele origin: not applicable. Functional consequence: skipped exon. Not counted in ClinVar's aggregate classification.

Dr. Peter K. Rogan Lab, Western University
No classification provided (evidence only). Condition: Adrenocortical carcinoma, hereditary. Review status: no classification provided. Collection method: in vitro. Allele origin: not applicable. Functional consequence: retained intron. Not counted in ClinVar's aggregate classification.

Dr. Peter K. Rogan Lab, Western University
No classification provided (evidence only). Condition: Nonpapillary renal cell carcinoma. Review status: no classification provided. Collection method: in vitro. Allele origin: not applicable. Functional consequence: retained intron. Not counted in ClinVar's aggregate classification.

Dr. Peter K. Rogan Lab, Western University
No classification provided (evidence only). Condition: Nonpapillary renal cell carcinoma. Review status: no classification provided. Collection method: in vitro. Allele origin: not applicable. Functional consequence: retained intron. Not counted in ClinVar's aggregate classification.

Dr. Peter K. Rogan Lab, Western University
No classification provided (evidence only). Condition: Nonpapillary renal cell carcinoma. Review status: no classification provided. Collection method: in vitro. Allele origin: not applicable. Functional consequence: retained intron. Not counted in ClinVar's aggregate classification.

Dr. Peter K. Rogan Lab, Western University
No classification provided (evidence only). Condition: Nonpapillary renal cell carcinoma. Review status: no classification provided. Collection method: in vitro. Allele origin: not applicable. Functional consequence: skipped exon. Not counted in ClinVar's aggregate classification.

Dr. Peter K. Rogan Lab, Western University
No classification provided (evidence only). Condition: Nonpapillary renal cell carcinoma. Review status: no classification provided. Collection method: in vitro. Allele origin: not applicable. Functional consequence: skipped exon. Not counted in ClinVar's aggregate classification.

Dr. Peter K. Rogan Lab, Western University
No classification provided (evidence only). Condition: Nonpapillary renal cell carcinoma. Review status: no classification provided. Collection method: in vitro. Allele origin: not applicable. Functional consequence: retained intron. Not counted in ClinVar's aggregate classification.

Dr. Peter K. Rogan Lab, Western University
No classification provided (evidence only). Condition: Familial pancreatic carcinoma. Review status: no classification provided. Collection method: in vitro. Allele origin: not applicable. Functional consequence: retained intron. Not counted in ClinVar's aggregate classification.